The following is an entry in ClinVar:

ClinVar aggregate classification (germline): Conflicting classifications of pathogenicity. Review status: criteria provided, conflicting classifications (1 of 4 stars). 2 submissions from 2 submitters: Pathogenic (1); Uncertain significance (1). Last evaluated 2023-08-24.

Conditions:
Mucopolysaccharidosis, MPS-IV-A (MPS4A). Also called: Mucopolysaccharidosis type IV A; Mucopolysaccharidosis Type IVA; Morquio syndrome A, mild; MORQUIO SYNDROME A; MPS IVA; mucopolysaccharidosis type 4A. Identifiers: Orphanet 309297, Orphanet 582, MedGen C0086651, MONDO:0009659, OMIM 253000.

Allele frequency attached by ClinVar (database versions not stated): ExAC 0.00001; gnomAD 0.00001 and 0.00002; gnomAD exomes 0.00001; TOPMed 0.00001.
gnomAD v4.1: 12 of 1,613,684 alleles (0.00074%); highest among the groups gnomAD compares: African/African-American, 0.015%; no homozygotes.

Submissions (2):

Labcorp Genetics (formerly Invitae), Labcorp
Classification: Pathogenic for Mucopolysaccharidosis, MPS-IV-A. Last evaluated: 2023-08-24. Review status: criteria provided, single submitter. Criteria: Invitae Variant Classification Sherloc (09022015). Collection method: clinical testing. Allele origin: germline.
Comment: This missense change has been observed in individual(s) with mucopolysaccharidosis type IVA (PMID: 34387910). This variant is present in population databases (rs759590432, gnomAD 0.008%). This sequence change replaces phenylalanine, which is neutral and non-polar, with cysteine, which is neutral and slightly polar, at codon 306 of the GALNS protein (p.Phe306Cys). ClinVar contains an entry for this variant (Variation ID: 1048214). Advanced modeling of protein sequence and biophysical properties (such as structural, functional, and spatial information, amino acid conservation, physicochemical variation, residue mobility, and thermodynamic stability) performed at Invitae indicates that this missense variant is expected to disrupt GALNS protein function. This variant disrupts the p.Phe306 amino acid residue in GALNS. Other variant(s) that disrupt this residue have been determined to be pathogenic (PMID: 34387910). This suggests that this residue is clinically significant, and that variants that disrupt this residue are likely to be disease-causing. For these reasons, this variant has been classified as Pathogenic.

Laboratory of Diagnosis and Therapy of Lysosomal Disorders, University of Padova
Classification: Uncertain significance for Mucopolysaccharidosis, MPS-IV-A. Last evaluated: 2021-02-01. Review status: criteria provided, single submitter. Criteria: ACMG Guidelines, 2015. Collection method: research. Allele origin: germline. Affected: yes.
Comment: The prevalence of the variant in affected individuals is significantly increased compared with the prevalence in controls (PS4_supporting); very low frequency in gnomAD v2.1.1 (PM2_moderate); multiple lines of computational evidence support a deleterious effect on the gene (PP3_supporting)

Literature cited by the submitters: PubMed 34387910 (cited by Labcorp Genetics (formerly Invitae), Labcorp and Laboratory of Diagnosis and Therapy of Lysosomal Disorders, University of Padova).

NM_000512.5(GALNS):c.917T>G (p.Phe306Cys)

Gene: GALNS (galactosamine (N-acetyl)-6-sulfatase; minus strand). Cytogenetic location: 16q24.3.
Variant type: single nucleotide variant.
Coding change: c.917T>G on transcript NM_000512.5 (MANE Select); coding-DNA position 917, T replaced by G.
Protein change: p.Phe306Cys; replaces phenylalanine 306 with cysteine.
Molecular consequence: missense variant.
Genome position (GRCh38, 1-based): chr16:88,832,083, A>C on the plus strand (T>G on the coding strand, the complement: GALNS is on the minus strand). VCF-style: chr16-88832083-A-C. GRCh37 (hg19) VCF-style: chr16-88898491-A-C.
Other names: c.362T>G, p.Phe121Cys (NM_001323543.2); c.935T>G, p.Phe312Cys (NM_001323544.2); short protein forms F121C, F306C, F312C.
Identifiers: ClinVar variation 1048214 (VCV001048214.6), dbSNP rs759590432, ClinGen allele CA8234903.
Genomic context (GRCh38, chr16:88,832,083, plus strand): 5'-CACCATGCGAGGGCAGGCTCCCTCATCCCTCCTTCAAACGTGGTCTGCTTCCCACACAGA[A>C]AGGGGCCGTTGCTGCCACCTGGGAGAGAGGGGCCCTTGTCAGGCCACTGGGACCAGATGT-3'
Protein context (NP_000503.1, residues 296-316): APEQGGSNGP[Phe306Cys]LCGKQTTFEG